The following is an entry in ClinVar:

ClinVar aggregate classification (germline): Pathogenic (1 of 4 stars; one submission).

Conditions:
Neurofibromatosis, type 1 (NF1). Also called: Peripheral type neurofibromatosis; VON RECKLINGHAUSEN DISEASE; Neurofibromatosis, type I; NEUROFIBROMATOSIS, TYPE I, SOMATIC. Identifiers: Orphanet 636, MedGen C0027831, MONDO:0018975, OMIM 162200. Disease mechanism: loss of function.

Submission:

Labcorp Genetics (formerly Invitae), Labcorp
Classification: Pathogenic for Neurofibromatosis, type 1. Last evaluated: 2024-02-18. Review status: criteria provided, single submitter. Criteria: Invitae Variant Classification Sherloc (09022015). Collection method: clinical testing. Allele origin: germline.
Comment: This sequence change affects a splice site in intron 13 of the NF1 gene. It is expected to disrupt RNA splicing. Variants that disrupt the donor or acceptor splice site typically lead to a loss of protein function (PMID: 16199547), and loss-of-function variants in NF1 are known to be pathogenic (PMID: 10712197, 23913538). This variant is not present in population databases (gnomAD no frequency). Disruption of this splice site has been observed in individual(s) with clinical features of neurofibromatosis type 1 (Invitae). For these reasons, this variant has been classified as Pathogenic.

Literature cited by the submitters: PubMed 16199547; PubMed 10712197; PubMed 23913538.

NM_001042492.3(NF1):c.1527+1_1527+2insAG

Gene: NF1 (neurofibromin 1; plus strand). Cytogenetic location: 17q11.2.
Variant type: Insertion.
Coding change: c.1527+1_1527+2insAG on transcript NM_001042492.3 (MANE Select); the canonical splice donor site of the intron after coding-DNA position 1527, AG inserted.
Molecular consequence: splice donor variant.
Genome position: GRCh38 VCF-style: chr17-31214585-T-TGA. GRCh37 (hg19) VCF-style: chr17-29541603-T-TGA.
Other names: c.1527+1_1527+2insAG (NM_000267.4, NM_001128147.3).
Identifiers: ClinVar variation 3641810 (VCV003641810.2).
Genomic context (GRCh38, chr17:31,214,585, plus strand): 5'-TAAGTATCTTCTCTTGTCCATGGTGAAACTAATTCATGCAGATCCAAAGCTCTTGCTTTG[T>TGA]GTAAGTATTTTTTTATGAAATGTCTCAAAATTATCACACTAAGTTAATTGGGTTTAGCTG-3'